The following is an entry in ClinVar:

ClinVar aggregate classification (germline): Uncertain significance (1 of 4 stars; one submission).

gnomAD v4.1: 5 of 1,610,878 alleles (0.00031%); highest among the groups gnomAD compares: Non-Finnish European, 0.00042%; no homozygotes.

Submission:

Labcorp Genetics (formerly Invitae), Labcorp
Classification: Uncertain significance. Last evaluated: 2024-04-06. Review status: criteria provided, single submitter. Criteria: Invitae Variant Classification Sherloc (09022015). Collection method: clinical testing. Allele origin: germline.
Comment: This sequence change replaces aspartic acid, which is acidic and polar, with glycine, which is neutral and non-polar, at codon 639 of the RNF31 protein (p.Asp639Gly). This variant is not present in population databases (gnomAD no frequency). This variant has not been reported in the literature in individuals affected with RNF31-related conditions. An algorithm developed to predict the effect of missense changes on protein structure and function (PolyPhen-2) suggests that this variant is likely to be tolerated. Algorithms developed to predict the effect of sequence changes on RNA splicing suggest that this variant may create or strengthen a splice site. In summary, the available evidence is currently insufficient to determine the role of this variant in disease. Therefore, it has been classified as a Variant of Uncertain Significance.

NM_017999.5(RNF31):c.1916A>G (p.Asp639Gly)

Gene: RNF31 (ring finger protein 31; plus strand). Cytogenetic location: 14q12.
Variant type: single nucleotide variant.
Coding change: c.1916A>G on transcript NM_017999.5 (MANE Select); coding-DNA position 1916, A replaced by G.
Protein change: p.Asp639Gly; replaces aspartic acid 639 with glycine.
Molecular consequence: missense variant.
Genome position (GRCh38, 1-based): chr14:24,151,663, A>G. VCF-style: chr14-24151663-A-G. GRCh37 (hg19) VCF-style: chr14-24620872-A-G.
Other names: c.1463A>G, p.Asp488Gly (NM_001310332.2); short protein forms D488G, D639G.
Identifiers: ClinVar variation 3619509 (VCV003619509.2).
Genomic context (GRCh38, chr14:24,151,663, plus strand): 5'-CCTTCCGCCAGCGCCTCTGGGACAGTGGCCCTGAGCCCACCCCTTCCTGGGATGGGCCAG[A>G]CAAGCAGGTGCTGGGAGGAGGCAAGAAGCCCAAGGGTCCACCTAGAGGAGCAAGAGGGAG-3'
Protein context (NP_060469.4, residues 629-649): PEPTPSWDGP[Asp639Gly]KQSLVRRLLA